The following is an entry in ClinVar:

NM_213655.5(WNK1):c.2788A>G (p.Ile930Val)

Gene: WNK1 (WNK lysine deficient protein kinase 1; plus strand). Cytogenetic location: 12p13.33.
Variant type: single nucleotide variant.
Coding change: c.2788A>G on transcript NM_213655.5 (MANE Plus Clinical); coding-DNA position 2788, A replaced by G.
Protein change: p.Ile930Val; replaces isoleucine 930 with valine.
Molecular consequence: missense variant. On other transcripts: intron variant (2).
Genome position (GRCh38, 1-based): chr12:868,259, A>G. VCF-style: chr12-868259-A-G. GRCh37 (hg19) VCF-style: chr12-977425-A-G.
Other names: c.2533A>G, p.Ile845Val (NM_001184985.2); c.2140-3006A>G (NM_018979.4, NM_014823.3); short protein forms I845V, I930V.
Identifiers: ClinVar variation 2127923 (VCV002127923.4), dbSNP rs2548788782, ClinGen allele CA383339623.

ClinVar aggregate classification (germline): Uncertain significance (1 of 4 stars; one submission).

Conditions:
Neuropathy, hereditary sensory and autonomic, type 2A (HSAN2A). Also called: ACROOSTEOLYSIS, GIACCAI TYPE; ACROOSTEOLYSIS, NEUROGENIC; MORVAN DISEASE; NEUROPATHY, CONGENITAL SENSORY; NEUROPATHY, HEREDITARY SENSORY RADICULAR, AUTOSOMAL RECESSIVE; NEUROPATHY, HEREDITARY SENSORY, TYPE IIA. Identifiers: Orphanet 970, MedGen C2752089, MONDO:0024309, OMIM 201300.
Pseudohypoaldosteronism type 2C (PHA2C). Also called: Pseudohypoaldosteronism Type IIC. Identifiers: Orphanet 757, Orphanet 88940, MedGen C1840391, MONDO:0013778, OMIM 614492.

Submission:

Labcorp Genetics (formerly Invitae), Labcorp
Classification: Uncertain significance for Neuropathy, hereditary sensory and autonomic, type 2A; Pseudohypoaldosteronism type 2C. Last evaluated: 2022-04-19. Review status: criteria provided, single submitter. Criteria: Invitae Variant Classification Sherloc (09022015). Collection method: clinical testing. Allele origin: germline.
Comment: In summary, the available evidence is currently insufficient to determine the role of this variant in disease. Therefore, it has been classified as a Variant of Uncertain Significance. Advanced modeling of protein sequence and biophysical properties (such as structural, functional, and spatial information, amino acid conservation, physicochemical variation, residue mobility, and thermodynamic stability) performed at Invitae indicates that this missense variant is not expected to disrupt WNK1 protein function. This variant has not been reported in the literature in individuals affected with WNK1-related conditions. This variant is not present in population databases (gnomAD no frequency). This sequence change replaces isoleucine, which is neutral and non-polar, with valine, which is neutral and non-polar, at codon 930 of the WNK1 protein (p.Ile930Val).